The following is an entry in ClinVar:

NM_000051.4(ATM):c.7305C>T (p.Asn2435=)

Genes: ATM (ATM serine/threonine kinase; plus strand), C11orf65 (chromosome 11 open reading frame 65; minus strand). Cytogenetic location: 11q22.3.
Variant type: single nucleotide variant.
Coding change: c.7305C>T on transcript NM_000051.4 (MANE Select); coding-DNA position 7305, C replaced by T.
Protein change: p.Asn2435=; no amino-acid change (asparagine 2435 retained).
Molecular consequence: synonymous variant. On other transcripts: intron variant (2).
Genome position (GRCh38, 1-based): chr11:108,329,236, C>T. VCF-style: chr11-108329236-C-T. GRCh37 (hg19) VCF-style: chr11-108199963-C-T.
Other names: c.7305C>T, p.Asn2435= (NM_001351834.2); c.641-20165G>A (NM_001330368.2); c.*38+5984G>A (NM_001351110.2).
Identifiers: ClinVar variation 5031433 (VCV005031433.1).

ClinVar aggregate classification (germline): Uncertain significance (1 of 4 stars; one submission).

Conditions:
Hereditary cancer-predisposing syndrome. Also called: Neoplastic Syndromes, Hereditary; Tumor predisposition; Hereditary neoplastic syndrome; Hereditary Cancer Syndrome. Identifiers: Orphanet 140162, MedGen C0027672, MeSH D009386, MONDO:0015356.

gnomAD v4.1: 1 of 1,610,942 alleles (0.000062%); highest among the groups gnomAD compares: Non-Finnish European, 0.000085%; no homozygotes.

Submission:

Ambry Genetics
Classification: Uncertain significance for Hereditary cancer-predisposing syndrome. Last evaluated: 2026-07-06. Review status: criteria provided, single submitter. Criteria: Ambry Variant Classification Scheme 2023. Collection method: clinical testing. Allele origin: germline.
Comment: The c.7305C>T variant (also known as p.N2435N), located in coding exon 48 of the ATM gene, results from a C to T substitution at nucleotide position 7305. This nucleotide substitution does not change the asparagine at codon 2435. In an assay testing ATM function, this variant showed a functionally abnormal result (Lee KS et al. Cell, 2025 Sep;188:5081-5099.e27). This nucleotide position is well conserved in available vertebrate species. In silico splice site analysis predicts that this alteration may weaken the native splice donor site. Based on the available evidence, the clinical significance of this variant remains unclear.

Literature cited by the submitters: PubMed 40580951.